The following is an entry in ClinVar:

NM_005515.4(MNX1):c.682G>C (p.Asp228His)

Gene: MNX1 (motor neuron and pancreas homeobox 1; minus strand). Cytogenetic location: 7q36.3.
Variant type: single nucleotide variant.
Coding change: c.682G>C on transcript NM_005515.4 (MANE Select); coding-DNA position 682, G replaced by C.
Protein change: p.Asp228His; replaces aspartic acid 228 with histidine.
Molecular consequence: missense variant.
Genome position (GRCh38, 1-based): chr7:157,009,669, C>G on the plus strand (G>C on the coding strand, the complement: MNX1 is on the minus strand). VCF-style: chr7-157009669-C-G. GRCh37 (hg19) VCF-style: chr7-156802363-C-G.
Other names: short protein forms D228H.
Identifiers: ClinVar variation 1504031 (VCV001504031.8), dbSNP rs763110541, ClinGen allele CA370163795.

ClinVar aggregate classification (germline): Uncertain significance (1 of 4 stars; one submission).

gnomAD v4.1: 1 of 1,609,220 alleles (0.000062%); highest among the groups gnomAD compares: Non-Finnish European, 0.000085%; no homozygotes.

Submission:

Labcorp Genetics (formerly Invitae), Labcorp
Classification: Uncertain significance. Last evaluated: 2021-05-17. Review status: criteria provided, single submitter. Criteria: Invitae Variant Classification Sherloc (09022015). Collection method: clinical testing. Allele origin: germline.
Comment: In summary, the available evidence is currently insufficient to determine the role of this variant in disease. Therefore, it has been classified as a Variant of Uncertain Significance. Algorithms developed to predict the effect of missense changes on protein structure and function are either unavailable or do not agree on the potential impact of this missense change (SIFT: "Deleterious"; PolyPhen-2: "Probably Damaging"; Align-GVGD: "Class C0"). This variant has not been reported in the literature in individuals with MNX1-related conditions. This variant is not present in population databases (ExAC no frequency). This sequence change replaces aspartic acid with histidine at codon 228 of the MNX1 protein (p.Asp228His). The aspartic acid residue is highly conserved and there is a moderate physicochemical difference between aspartic acid and histidine.